The following is an entry in ClinVar:

NM_019842.4(KCNQ5):c.1807C>T (p.Leu603Phe)

Gene: KCNQ5 (potassium voltage-gated channel subfamily Q member 5; plus strand). Cytogenetic location: 6q13.
Variant type: single nucleotide variant.
Coding change: c.1807C>T on transcript NM_019842.4 (MANE Select); coding-DNA position 1807, C replaced by T.
Protein change: p.Leu603Phe; replaces leucine 603 with phenylalanine.
Molecular consequence: missense variant.
Genome position (GRCh38, 1-based): chr6:73,192,662, C>T. VCF-style: chr6-73192662-C-T. GRCh37 (hg19) VCF-style: chr6-73902385-C-T.
Other names: c.1780C>T, p.Leu594Phe (NM_001160130.2); c.1837C>T, p.Leu613Phe (NM_001160132.2); c.1864C>T, p.Leu622Phe (NM_001160133.2); c.1477C>T, p.Leu493Phe (NM_001160134.2); short protein forms L493F, L594F, L603F, L613F, L622F.
Identifiers: ClinVar variation 1307615 (VCV001307615.2), dbSNP rs149229948, ClinGen allele CA3887148.

ClinVar aggregate classification (germline): Uncertain significance (1 of 4 stars; one submission).

Allele frequency attached by ClinVar (database versions not stated): ExAC 0.00001; ESP Exome Variant Server 0.00008.

Submission:

GeneDx
Classification: Uncertain significance. Last evaluated: 2019-08-05. Review status: criteria provided, single submitter. Criteria: GeneDx Variant Classification Process June 2021. Collection method: clinical testing. Allele origin: germline. Affected: yes.
Comment: In silico analysis, which includes protein predictors and evolutionary conservation, supports a deleterious effect. In addition, in silico splice predictors suggest this variant may impact gene splicing. In the absence of RNA/functional studies, the actual effect of this sequence change is unknown; Has not been previously published as pathogenic or benign to our knowledge